The following is an entry in ClinVar:

ClinVar aggregate classification (germline): Conflicting classifications of pathogenicity. Review status: criteria provided, conflicting classifications (1 of 4 stars). 4 submissions from 4 submitters: Uncertain significance (3); Likely benign (1). Last evaluated 2025-08-29.

Conditions:
Bethlem myopathy 1A. Also called: MYOPATHY, BENIGN CONGENITAL, WITH CONTRACTURES; Bethlem myopathy 1; Bethlem Muscular Dystrophy. Identifiers: Orphanet 610, MedGen CN029274, MONDO:0024530, OMIM 158810.

Allele frequency attached by ClinVar (database versions not stated): TOPMed 0.00006; 1000 Genomes Project 30x 0.00016; 1000 Genomes Project 0.00020.
gnomAD v4.1: 215 of 1,613,546 alleles (0.013%); highest among the groups gnomAD compares: Admixed American, 0.022%; no homozygotes.

Submissions (4):

Labcorp Genetics (formerly Invitae), Labcorp
Classification: Likely benign for Bethlem myopathy 1A. Last evaluated: 2025-08-29. Review status: criteria provided, single submitter. Criteria: Invitae Variant Classification Sherloc (09022015). Collection method: clinical testing. Allele origin: germline.

GeneDx
Classification: Uncertain significance. Last evaluated: 2024-01-25. Review status: criteria provided, single submitter. Criteria: GeneDx Variant Classification Process June 2021. Collection method: clinical testing. Allele origin: germline. Affected: yes.
Comment: In silico analysis supports that this variant does not alter splicing; Has not been previously published as pathogenic or benign to our knowledge

CeGaT Center for Human Genetics Tuebingen
Classification: Uncertain significance. Last evaluated: 2021-12-01. Review status: criteria provided, single submitter. Criteria: CeGaT Center For Human Genetics Tuebingen Variant Classification Criteria Version 2. Collection method: clinical testing. Allele origin: germline. Affected: yes. Observed: 1 variant allele.

Eurofins Ntd Llc (ga)
Classification: Uncertain significance. Last evaluated: 2016-12-25. Review status: criteria provided, single submitter. Criteria: EGL Classification Definitions 2015. Collection method: clinical testing. Allele origin: germline. Observed: 3 variant alleles, 3 heterozygotes.

NM_004369.4(COL6A3):c.7175-6C>G

Gene: COL6A3 (collagen type VI alpha 3 chain; minus strand). Cytogenetic location: 2q37.3.
Variant type: single nucleotide variant.
Coding change: c.7175-6C>G on transcript NM_004369.4 (MANE Select); 6 bases into the intron before coding-DNA position 7175, C replaced by G.
Molecular consequence: intron variant.
Genome position (GRCh38, 1-based): chr2:237,344,849, G>C on the plus strand (C>G on the coding strand, the complement: COL6A3 is on the minus strand). VCF-style: chr2-237344849-G-C. GRCh37 (hg19) VCF-style: chr2-238253492-G-C.
Other names: c.5354-6C>G (NM_057166.5); c.6557-6C>G (NM_057167.4).
Identifiers: ClinVar variation 196978 (VCV000196978.52), dbSNP rs199723531, ClinGen allele CA244834.
Genomic context (GRCh38, chr2:237,344,849, plus strand): 5'-GAGGTGTCTAAAGCAAAGGCTAGTTCTGTTGGGAAGACGGGGCACTCCAGGGGCCCTGTG[G>C]AAAGTAGAGGGTGGAGGGTTAAAGACAAACTGTACTTACTACAAAAGGGAGGCTTCCTTT-3'